The following is an entry in ClinVar:

NM_024675.4(PALB2):c.2619T>G (p.Ser873Arg)

Gene: PALB2 (partner and localizer of BRCA2; minus strand). Cytogenetic location: 16p12.2.
Variant type: single nucleotide variant.
Coding change: c.2619T>G on transcript NM_024675.4 (MANE Select); coding-DNA position 2619, T replaced by G.
Protein change: p.Ser873Arg; replaces serine 873 with arginine.
Molecular consequence: missense variant.
Genome position (GRCh38, 1-based): chr16:23,626,365, A>C on the plus strand (T>G on the coding strand, the complement: PALB2 is on the minus strand). VCF-style: chr16-23626365-A-C. GRCh37 (hg19) VCF-style: chr16-23637686-A-C.
Other names: short protein forms S873R.
Identifiers: ClinVar variation 142328 (VCV000142328.41), dbSNP rs587782387, ClinGen allele CA168079.

ClinVar aggregate classification (germline): Conflicting classifications of pathogenicity. Review status: criteria provided, conflicting classifications (1 of 4 stars). 15 submissions from 15 submitters: Uncertain significance (8); Likely benign (2). 5 of the submissions do not count toward it. Last evaluated 2026-02-16.

Conditions:
Familial ovarian cancer. Identifiers: MedGen C5679802, MONDO:0016248.
PALB2-related disorder. Also called: PALB2-related condition; PALB2-related disorders.
Inherited breast cancer and ovarian cancer.
Hereditary cancer-predisposing syndrome. Also called: Tumor predisposition; Neoplastic Syndromes, Hereditary; Hereditary neoplastic syndrome; Hereditary Cancer Syndrome. Identifiers: Orphanet 140162, MedGen C0027672, MeSH D009386, MONDO:0015356.
Familial cancer of breast. Also called: BREAST CANCER, FAMILIAL; Hereditary breast cancer; hereditary breast carcinoma. Identifiers: Orphanet 227535, MedGen C0346153, MONDO:0016419, OMIM 114480. Disease mechanism: loss of function.

Allele frequency attached by ClinVar (database versions not stated): gnomAD exomes below 0.00001 and 0.00002; gnomAD 0.00001; TOPMed 0.00001.
gnomAD v4.1: 29 of 1,614,060 alleles (0.0018%); highest among the groups gnomAD compares: Non-Finnish European, 0.0023%; no homozygotes.

Submissions (15):

Cambridge Genomics Laboratory, East Genomic Laboratory Hub, NHS Genomic Medicine Service
Classification: Uncertain significance for Inherited breast cancer and ovarian cancer. Last evaluated: 2026-02-16. Review status: criteria provided, single submitter. Criteria: ACGS Best Practice Guidelines for Variant Classification in Rare Disease 2020. Collection method: clinical testing. Allele origin: germline. Affected: yes.

Labcorp Genetics (formerly Invitae), Labcorp
Classification: Uncertain significance for Familial cancer of breast. Last evaluated: 2026-01-17. Review status: criteria provided, single submitter. Criteria: Invitae Variant Classification Sherloc (09022015). Collection method: clinical testing. Allele origin: germline.
Comment: This sequence change replaces serine, which is neutral and polar, with arginine, which is basic and polar, at codon 873 of the PALB2 protein (p.Ser873Arg). This variant is present in population databases (rs587782387, gnomAD 0.0009%). This missense change has been observed in individual(s) with pancreatic adenocarcinoma and/or triple-negative breast cancer (PMID: 25452441, 28767289). ClinVar contains an entry for this variant (Variation ID: 142328). Invitae Evidence Modeling of protein sequence and biophysical properties (such as structural, functional, and spatial information, amino acid conservation, physicochemical variation, residue mobility, and thermodynamic stability) indicates that this missense variant is expected to disrupt PALB2 protein function with a positive predictive value of 80%. In summary, the available evidence is currently insufficient to determine the role of this variant in disease. Therefore, it has been classified as a Variant of Uncertain Significance.

PreventionGenetics, part of Exact Sciences
Classification: Uncertain significance for PALB2-related condition. Last evaluated: 2025-07-06. Review status: criteria provided, single submitter. Criteria: ACMG Guidelines, 2015. Collection method: clinical testing. Allele origin: germline.
Comment: The PALB2 c.2619T>G variant is predicted to result in the amino acid substitution p.Ser873Arg. This variant has been reported in multiple individuals with breast or pancreatic cancer (Table S6, Couch et al. 2015. PubMed ID: 25452441; Table A2, Shindo et al. 2017. PubMed ID: 28767289; Table S5, Decker et al. 2017. PubMed ID: 28779002; Supplementary data, Hu et al. 2020. PubMed ID: 32659497). In a large breast cancer case-control study, this variant was reported in three affected individuals and in one control (Supplementary data, Breast Cancer Association et al. 2021. PubMed ID: 33471991). This variant is reported in 0.00088% of alleles in individuals of European (Non-Finnish) descent in gnomAD and has conflicting interpretations in ClinVar ranging from uncertain significance to likely benign. At this time, the clinical significance of this variant is uncertain due to the absence of conclusive functional and genetic evidence.

Women's Health and Genetics/Laboratory Corporation of America, LabCorp
Classification: Uncertain significance. Last evaluated: 2025-04-17. Review status: criteria provided, single submitter. Criteria: LabCorp Variant Classification Summary - May 2015. Collection method: clinical testing. Allele origin: germline.
Comment: Variant summary: PALB2 c.2619T>G (p.Ser873Arg) results in a non-conservative amino acid change located in the WD40 domain (IPR031920) of the encoded protein sequence. Four of five in-silico tools predict a damaging effect of the variant on protein function. The variant allele was found at a frequency of 4e-06 in 251486 control chromosomes (gnomAD). The available data on variant occurrences in the general population are insufficient to allow any conclusion about variant significance. c.2619T>G has been observed in individuals affected with breast cancer or pancreatic cancer without evidence of cosegregation with disease (e.g., Couch_2015, Shindo 2017, Dorling_2021). These reports do not provide unequivocal conclusions about association of the variant with Hereditary Breast And Ovarian Cancer Syndrome. To our knowledge, no experimental evidence demonstrating an impact on protein function has been reported. The following publications have been ascertained in the context of this evaluation (PMID: 25452441, 28767289, 33471991). ClinVar contains an entry for this variant (Variation ID: 142328). Based on the evidence outlined above, the variant was classified as uncertain significance.

Ambry Genetics
Classification: Likely benign for Hereditary cancer-predisposing syndrome. Last evaluated: 2025-04-01. Review status: criteria provided, single submitter. Criteria: Ambry Variant Classification Scheme 2023. Collection method: clinical testing. Allele origin: germline.

Color Diagnostics, LLC DBA Color Health
Classification: Uncertain significance for Hereditary cancer-predisposing syndrome. Last evaluated: 2024-05-24. Review status: criteria provided, single submitter. Criteria: ACMG Guidelines, 2015. Collection method: clinical testing. Allele origin: germline.
Comment: This missense variant replaces serine with arginine at codon 873 of the PALB2 protein. Computational prediction suggests that this variant may not impact protein structure and function. To our knowledge, functional studies have not been reported for this variant. This variant has been reported in at least 3 individuals affected with breast cancer, one individual affected with pancreatic cancer with family history of breast cancer and one unaffected individual (PMID: 25452441, 28767289, 33471991; Leiden Open Variation Database DB-ID PALB2_010315). This variant has been identified in 1/251486 chromosomes in the general population by the Genome Aggregation Database (gnomAD). The available evidence is insufficient to determine the role of this variant in disease conclusively. Therefore, this variant is classified as a Variant of Uncertain Significance.

Baylor Genetics
Classification: Uncertain significance for Familial cancer of breast. Last evaluated: 2024-02-26. Review status: criteria provided, single submitter. Criteria: ACMG Guidelines, 2015. Collection method: clinical testing. Allele origin: unknown.

Myriad Genetics, Inc.
Classification: Likely benign for Familial cancer of breast. Last evaluated: 2023-03-31. Review status: criteria provided, single submitter. Criteria: Myriad Autosomal Dominant, Autosomal Recessive and X-Linked Classification Criteria (2023). Collection method: clinical testing. Allele origin: unknown.
Comment: This variant is considered likely benign. This variant is strongly associated with less severe personal and family histories of cancer, typical for individuals without pathogenic variants in this gene [PMID: 25085752].

GeneDx
Classification: Uncertain significance. Last evaluated: 2023-03-20. Review status: criteria provided, single submitter. Criteria: GeneDx Variant Classification Process June 2021. Collection method: clinical testing. Allele origin: germline. Affected: yes.
Comment: Observed in individuals with PALB2-related cancers (Couch et al., 2015; Decker et al., 2017; Shindo et al., 2017; Hu et al., 2020); Not observed at significant frequency in large population cohorts (gnomAD); In silico analysis supports that this missense variant has a deleterious effect on protein structure/function; This variant is associated with the following publications: (PMID: 25452441, 28767289, 28779002, 32659497, 24485656, 19609323, 20871615, 33471991)

Quest Diagnostics Nichols Institute San Juan Capistrano
Classification: Uncertain significance. Last evaluated: 2019-12-03. Review status: criteria provided, single submitter. Criteria: Quest Diagnostics criteria. Collection method: clinical testing. Allele origin: unknown.

Leiden Open Variation Database
Classification: Uncertain significance for Familial cancer of breast. Last evaluated: 2019-05-13. Review status: no assertion criteria provided. Collection method: curation. Allele origin: germline. Affected: yes. Not counted in ClinVar's aggregate classification.
Comment: Curators: Marc Tischkowitz, Arleen D. Auerbach. Submitter to LOVD: Marc Tischkowitz.

Counsyl
Classification: Uncertain significance for Familial cancer of breast. Last evaluated: 2017-03-14. Review status: no assertion criteria provided. Collection method: clinical testing. Allele origin: unknown. Not counted in ClinVar's aggregate classification.

Clinical Genetics Laboratory, Department of Pathology, Netherlands Cancer Institute
Classification: Uncertain significance. Review status: no assertion criteria provided. Collection method: clinical testing. Allele origin: germline. Affected: yes. Study: VKGL Data-share Consensus. Not counted in ClinVar's aggregate classification.

Department of Pathology and Laboratory Medicine, Sinai Health System
Classification: Uncertain significance for Familial ovarian cancer. Review status: no assertion criteria provided. Collection method: clinical testing. Allele origin: unknown. Affected: yes. Study: The Canadian Open Genetics Repository (COGR). Not counted in ClinVar's aggregate classification.
Comment: The PALB2 p.Ser873Arg variant was identified in 1 of 3648 proband chromosomes (frequency: 0.000) from American individuals with triple negative breast cancer (Couch 2015). The variant was also identified in dbSNP (ID: rs587782387) â€šÃ„ÃºWith Uncertain significance alleleâ€šÃ„Ã¹, ClinVar (classified as uncertain significance by Ambry Genetics, Invitae and Quest Diagnostics Nichols Institute San Juan Capistrano), Clinvitae (2x), but was not identified in the Cosmic and Zhejiang Colon Cancer Database. The variant was identified in control databases in 1 of 246262 chromosomes at a frequency of 0.000004 (Genome Aggregation Database Feb 27, 2017). Breakdown of the observations by population include European Non-Finnish in 1 of 111714 chromosomes (freq: 0.000009), and not observed in the African, Other, Latino, Ashkenazi Jewish, East Asian, European Finnish, and South Asian populations. The p.Ser873 residue is conserved in mammals and computational analyses (PolyPhen-2, SIFT, AlignGVGD, BLOSUM, MutationTaster) provide inconsistent predictions regarding the impact to the protein; this information is not very predictive of pathogenicity. The variant occurs outside of the splicing consensus sequence and 3 of 5 in silico or computational prediction software programs (SpliceSiteFinder, MaxEntScan, NNSPLICE, GeneSplicer, HumanSpliceFinder) predict a greater than 10% difference in splicing. However, this information is not predictive enough to assume pathogenicity. In summary, based on the above information the clinical significance of this variant cannot be determined with certainty at this time. This variant is classified as a variant of uncertain significance.

Joint Genome Diagnostic Labs from Nijmegen and Maastricht, Radboudumc and MUMC+
Classification: Uncertain significance. Review status: no assertion criteria provided. Collection method: clinical testing. Allele origin: germline. Affected: yes. Study: VKGL Data-share Consensus. Not counted in ClinVar's aggregate classification.

Literature cited by the submitters: PubMed 25452441 (cited by 7 submitters); PubMed 28767289 (cited by 5 submitters); PubMed 33471991 (cited by Women's Health and Genetics/Laboratory Corporation of America, LabCorp and Color Diagnostics, LLC DBA Color Health); PubMed 28779002 (cited by Ambry Genetics); PubMed 32659497 (cited by Ambry Genetics); PubMed 25085752 (cited by Myriad Genetics, Inc.).